The following is an entry in ClinVar:

ClinVar aggregate classification (germline): Uncertain significance (1 of 4 stars; one submission).

Conditions:
Heterotopia, periventricular, X-linked dominant (PVNH1). Also called: PERIVENTRICULAR NODULAR HETEROTOPIA 1; X-linked periventricular heterotopia; PERIVENTRICULAR NODULAR HETEROTOPIA 4; HETEROTOPIA, PERIVENTRICULAR, 1. Identifiers: Orphanet 2149, Orphanet 82004, MedGen C1848213, MONDO:0010233, OMIM 300049.
Melnick-Needles syndrome (MNS). Also called: MELNICK-NEEDLES OSTEODYSPLASTY; OSTEODYSPLASTY OF MELNICK AND NEEDLES; Melnick-Needles Syndrome (FLNA-MNS). Identifiers: Orphanet 2484, MedGen C0025237, MONDO:0010650, OMIM 309350.
Frontometaphyseal dysplasia (FMD1). Identifiers: Orphanet 1826, MedGen C0265293, MONDO:0015942.
Oto-palato-digital syndrome, type II (OPD2). Also called: OPD II SYNDROME; FACIOPALATOOSSEOUS SYNDROME; Otopalatodigital Syndrome Type 2 (FLNA-OPD2); Otopalatodigital Syndrome, Type II. Identifiers: Orphanet 669, Orphanet 90652, MedGen C1844696, MONDO:0010571, OMIM 304120.

Submission:

Labcorp Genetics (formerly Invitae), Labcorp
Classification: Uncertain significance for Oto-palato-digital syndrome, type II; Heterotopia, periventricular, X-linked dominant; Frontometaphyseal dysplasia; Melnick-Needles syndrome. Last evaluated: 2020-08-05. Review status: criteria provided, single submitter. Criteria: Invitae Variant Classification Sherloc (09022015). Collection method: clinical testing. Allele origin: germline.
Comment: Advanced modeling of protein sequence and biophysical properties (such as structural, functional, and spatial information, amino acid conservation, physicochemical variation, residue mobility, and thermodynamic stability) performed at Invitae indicates that this missense variant is not expected to disrupt FLNA protein function. This variant has not been reported in the literature in individuals with FLNA-related conditions. This variant is not present in population databases (ExAC no frequency). This sequence change replaces asparagine with serine at codon 756 of the FLNA protein (p.Asn756Ser). The asparagine residue is highly conserved and there is a small physicochemical difference between asparagine and serine. In summary, the available evidence is currently insufficient to determine the role of this variant in disease. Therefore, it has been classified as a Variant of Uncertain Significance.

NM_001110556.2(FLNA):c.2267A>G (p.Asn756Ser)

Gene: FLNA (filamin A; minus strand). Cytogenetic location: Xq28.
Variant type: single nucleotide variant.
Coding change: c.2267A>G on transcript NM_001110556.2 (MANE Select); coding-DNA position 2267, A replaced by G.
Protein change: p.Asn756Ser; replaces asparagine 756 with serine.
Molecular consequence: missense variant.
Genome position (GRCh38, 1-based): chrX:154,364,035, T>C on the plus strand (A>G on the coding strand, the complement: FLNA is on the minus strand). VCF-style: chrX-154364035-T-C. GRCh37 (hg19) VCF-style: chrX-153592403-T-C.
Other names: c.2267A>G, p.Asn756Ser (NM_001456.4); short protein forms N756S.
Identifiers: ClinVar variation 1051814 (VCV001051814.9), dbSNP rs781874902, ClinGen allele CA415237642.